The following is an entry in ClinVar:

NM_181507.2(HPS5):c.3329+6A>G

Gene: HPS5 (HPS5 biogenesis of lysosomal organelles complex 2 subunit 2; minus strand). Cytogenetic location: 11p15.1.
Variant type: single nucleotide variant.
Coding change: c.3329+6A>G on transcript NM_181507.2 (MANE Select); 6 bases into the intron after coding-DNA position 3329, A replaced by G.
Molecular consequence: intron variant.
Genome position (GRCh38, 1-based): chr11:18,281,944, T>C on the plus strand (A>G on the coding strand, the complement: HPS5 is on the minus strand). VCF-style: chr11-18281944-T-C. GRCh37 (hg19) VCF-style: chr11-18303491-T-C.
Other names: c.2915+6A>G (NM_001440929.1, NM_001440928.1, NM_001440927.1); c.2987+6A>G (NM_181508.2, NM_001440921.1, NM_001440926.1 and 5 more transcripts); c.3218+6A>G (NM_001440915.1, NM_001440914.1, NM_001440913.1); c.2474+6A>G (NM_001440931.1); c.3173+6A>G (NM_001440917.1); c.3329+6A>G (NM_001440906.1, NM_001440905.1, NM_001440903.1 and 1 more transcripts); c.3254+6A>G (NM_001440907.1, NM_001440909.1, NM_001440908.1); c.2867+6A>G (NM_001440930.1); and 5 more.
Identifiers: ClinVar variation 2876468 (VCV002876468.3), dbSNP rs2494374035, ClinGen allele CA2739276308.
Genomic context (GRCh38, chr11:18,281,944, plus strand): 5'-TCTGAAAGTCTGTGGCCTTCTACCTTCTCCAAGCACTATGCAGAGGGTAGGACAAACTGA[T>C]ATTACCTCTGCCTTTTCTCAGCAATCCTCAGGATATCGCAGGTTCTGGTAAACTTCTCTG-3'

ClinVar aggregate classification (germline): Uncertain significance (1 of 4 stars; one submission).

Submission:

Labcorp Genetics (formerly Invitae), Labcorp
Classification: Uncertain significance. Last evaluated: 2023-04-04. Review status: criteria provided, single submitter. Criteria: Invitae Variant Classification Sherloc (09022015). Collection method: clinical testing. Allele origin: germline.
Comment: In summary, the available evidence is currently insufficient to determine the role of this variant in disease. Therefore, it has been classified as a Variant of Uncertain Significance. Variants that disrupt the consensus splice site are a relatively common cause of aberrant splicing (PMID: 17576681, 9536098). Algorithms developed to predict the effect of sequence changes on RNA splicing suggest that this variant is not likely to affect RNA splicing. This variant has not been reported in the literature in individuals affected with HPS5-related conditions. This variant is not present in population databases (gnomAD no frequency). This sequence change falls in intron 22 of the HPS5 gene. It does not directly change the encoded amino acid sequence of the HPS5 protein. It affects a nucleotide within the consensus splice site.

Literature cited by the submitters: PubMed 17576681; PubMed 9536098.